The following is an entry in ClinVar:

ClinVar aggregate classification (germline): Uncertain significance. Review status: criteria provided, multiple submitters, no conflicts (2 of 4 stars). 2 submissions from 2 submitters: Uncertain significance (2). Last evaluated 2025-09-28.

Conditions:
Cardiomyopathy (CMYO). Also called: Cardiomyopathies. Identifiers: Orphanet 167848, MedGen C0878544, MONDO:0004994, HP:0001638. Inheritance: Various modes of inheritance.
Hypertrophic cardiomyopathy. Also called: HYPERTROPHIC MYOCARDIOPATHY. Identifiers: Orphanet 217569, MedGen C0007194, MeSH D002312, MONDO:0005045, HP:0001639.

Submissions (2):

Labcorp Genetics (formerly Invitae), Labcorp
Classification: Uncertain significance for Hypertrophic cardiomyopathy. Last evaluated: 2025-09-28. Review status: criteria provided, single submitter. Criteria: Invitae Variant Classification Sherloc (09022015). Collection method: clinical testing. Allele origin: germline.
Comment: This sequence change replaces glutamic acid, which is acidic and polar, with aspartic acid, which is acidic and polar, at codon 916 of the MYH7 protein (p.Glu916Asp). This variant is not present in population databases (gnomAD no frequency). This variant has not been reported in the literature in individuals affected with MYH7-related conditions. ClinVar contains an entry for this variant (Variation ID: 407174). Invitae Evidence Modeling of protein sequence and biophysical properties (such as structural, functional, and spatial information, amino acid conservation, physicochemical variation, residue mobility, and thermodynamic stability) indicates that this missense variant is expected to disrupt MYH7 protein function with a positive predictive value of 95%. In summary, the available evidence is currently insufficient to determine the role of this variant in disease. Therefore, it has been classified as a Variant of Uncertain Significance.

All of Us Research Program, National Institutes of Health
Classification: Uncertain significance for Cardiomyopathy. Last evaluated: 2023-05-04. Review status: criteria provided, single submitter. Criteria: ACMG Guidelines, 2015. Collection method: clinical testing. Allele origin: germline. Inheritance: Autosomal dominant inheritance. Observed: 1 variant allele, 1 heterozygote.
Comment: This missense variant replaces glutamic acid with aspartic acid at codon 916 of the MYH7 protein. Computational prediction is inconclusive regarding the impact of this variant on protein structure and function (internally defined REVEL score threshold 0.5 < inconclusive < 0.7, PMID: 27666373). To our knowledge, functional studies have not been reported for this variant. This variant has not been reported in individuals affected with MYH7-related disorders in the literature. This variant has not been identified in the general population by the Genome Aggregation Database (gnomAD). The available evidence is insufficient to determine the role of this variant in disease conclusively. Therefore, this variant is classified as a Variant of Uncertain Significance.

This study involves interpretation of variants in research participants for the purpose of population health screening. Participant phenotype was not available at the time of variant classification. Additional details can be found in publication PMID: 35346344, PMCID: PMC8962531

NM_000257.4(MYH7):c.2748G>T (p.Glu916Asp)

Gene: MYH7 (myosin heavy chain 7; minus strand). Cytogenetic location: 14q11.2.
Variant type: single nucleotide variant.
Coding change: c.2748G>T on transcript NM_000257.4 (MANE Select); coding-DNA position 2748, G replaced by T.
Protein change: p.Glu916Asp; replaces glutamic acid 916 with aspartic acid.
Molecular consequence: missense variant.
Genome position (GRCh38, 1-based): chr14:23,424,081, C>A on the plus strand (G>T on the coding strand, the complement: MYH7 is on the minus strand). VCF-style: chr14-23424081-C-A. GRCh37 (hg19) VCF-style: chr14-23893290-C-A.
Other names: short protein forms E916D.
Identifiers: ClinVar variation 407174 (VCV000407174.7), dbSNP rs1060501437, ClinGen allele CA16614155.
Genomic context (GRCh38, chr14:23,424,081, plus strand): 5'-GAGCTCAGCATTCATCTCCTCCTCATCCTCCAGCCTCTCGTTCATCTCCTTCACCTTGGC[C>A]TCCAGCTGAATCTTGTTTTTGATCAGCTGATCACAGCGCTCCTCAGCATCTGCCAGGTTG-3'
Protein context (NP_000248.2, residues 906-926): DQLIKNKIQL[Glu916Asp]AKVKEMNERL